The following is an entry in ClinVar:

ClinVar aggregate classification (germline): Uncertain significance. Review status: criteria provided, multiple submitters, no conflicts (2 of 4 stars). 3 submissions from 3 submitters: Uncertain significance (3). Last evaluated 2025-11-21.

Conditions:
SDCCAG8-related disorder. Also called: SDCCAG8-Related Disorders; SDCCAG8-related condition.
Bardet-Biedl syndrome 16 (BBS16). Identifiers: Orphanet 110, MedGen C3889474, MONDO:0014444, OMIM 615993.
Senior-Loken syndrome 7 (SLSN7). Identifiers: Orphanet 3156, MedGen C3150877, MONDO:0013326, OMIM 613615.

Allele frequency attached by ClinVar (database versions not stated): gnomAD 0.00001; TOPMed 0.00001; gnomAD exomes 0.00004; ExAC 0.00007.
gnomAD v4.1: 56 of 1,594,396 alleles (0.0035%); highest among the groups gnomAD compares: South Asian, 0.057%; no homozygotes.

Submissions (3):

PreventionGenetics, part of Exact Sciences
Classification: Uncertain significance for SDCCAG8-related condition. Last evaluated: 2025-11-21. Review status: criteria provided, single submitter. Criteria: ACMG Guidelines, 2015. Collection method: clinical testing. Allele origin: germline.
Comment: The SDCCAG8 c.404A>T variant is predicted to result in the amino acid substitution p.Glu135Val. To our knowledge, this variant has not been reported in the literature. This variant is reported in 0.036% of alleles in individuals of South Asian descent in gnomAD. At this time, the clinical significance of this variant is uncertain due to the absence of conclusive functional and genetic evidence.

Fulgent Genetics
Classification: Uncertain significance for Senior-Loken syndrome 7; Bardet-Biedl syndrome 16. Last evaluated: 2024-03-11. Review status: criteria provided, single submitter. Criteria: ACMG Guidelines, 2015. Collection method: clinical testing. Allele origin: germline.

Labcorp Genetics (formerly Invitae), Labcorp
Classification: Uncertain significance for Bardet-Biedl syndrome 16; Senior-Loken syndrome 7. Last evaluated: 2022-10-24. Review status: criteria provided, single submitter. Criteria: Invitae Variant Classification Sherloc (09022015). Collection method: clinical testing. Allele origin: germline.
Comment: This sequence change replaces glutamic acid, which is acidic and polar, with valine, which is neutral and non-polar, at codon 135 of the SDCCAG8 protein (p.Glu135Val). This variant is present in population databases (rs747774826, gnomAD 0.04%). This variant has not been reported in the literature in individuals affected with SDCCAG8-related conditions. ClinVar contains an entry for this variant (Variation ID: 1405495). Advanced modeling of protein sequence and biophysical properties (such as structural, functional, and spatial information, amino acid conservation, physicochemical variation, residue mobility, and thermodynamic stability) performed at Invitae indicates that this missense variant is expected to disrupt SDCCAG8 protein function. In summary, the available evidence is currently insufficient to determine the role of this variant in disease. Therefore, it has been classified as a Variant of Uncertain Significance.

NM_006642.5(SDCCAG8):c.404A>T (p.Glu135Val)

Gene: SDCCAG8 (SHH signaling and ciliogenesis regulator SDCCAG8; plus strand). Cytogenetic location: 1q43.
Variant type: single nucleotide variant.
Coding change: c.404A>T on transcript NM_006642.5 (MANE Select); coding-DNA position 404, A replaced by T.
Protein change: p.Glu135Val; replaces glutamic acid 135 with valine.
Molecular consequence: missense variant. On other transcripts: 5 prime UTR variant (3).
Genome position (GRCh38, 1-based): chr1:243,274,640, A>T. VCF-style: chr1-243274640-A-T. GRCh37 (hg19) VCF-style: chr1-243437942-A-T.
Other names: c.404A>T (NM_006642.3); c.-709A>T (NM_001350246.2); c.-597A>T (NM_001350247.2); c.404A>T, p.Glu135Val (NM_001350248.2); c.110A>T, p.Glu37Val (NM_001350249.2); c.-970A>T (NM_001350251.2); short protein forms E135V, E37V.
Identifiers: ClinVar variation 1405495 (VCV001405495.7), dbSNP rs747774826, ClinGen allele CA1483294.